The following is an entry in ClinVar:

ClinVar aggregate classification (germline): Uncertain significance (1 of 4 stars; one submission).

Conditions:
Colorectal cancer, susceptibility to, 1. Also called: COLORECTAL ADENOMA AND CANCER, SUSCEPTIBILITY TO; COLORECTAL CANCER, SUSCEPTIBILITY TO, ON CHROMOSOME 9. Identifiers: MedGen C1837315, MONDO:0012132, OMIM 608812.

Submission:

OLLIN Analises Genomicas, OLLIN
Classification: Uncertain significance for Colorectal cancer, susceptibility to, 1. Last evaluated: 2026-08-06. Review status: criteria provided, single submitter. Criteria: ACMG Guidelines 2015 PMID 25741868. Collection method: clinical testing. Allele origin: germline.
Comment: This missense variant, located in exon 3 (of 10), is absent from gnomAD and ClinVar and has not been identified in the literature. In silico analysis is inconclusive regarding the impact of this variant. According to the currently available evidence, this variant has been classified as uncertain significance (PM2_P).

NM_024642.5(GALNT12):c.650C>T (p.Ser217Phe)

Gene: GALNT12 (polypeptide N-acetylgalactosaminyltransferase 12; plus strand). Cytogenetic location: 9q22.33.
Variant type: single nucleotide variant.
Coding change: c.650C>T on transcript NM_024642.5 (MANE Select); coding-DNA position 650, C replaced by T.
Protein change: p.Ser217Phe; replaces serine 217 with phenylalanine.
Molecular consequence: missense variant.
Genome position (GRCh38, 1-based): chr9:98,826,860, C>T. VCF-style: chr9-98826860-C-T. GRCh37 (hg19) VCF-style: chr9-101589142-C-T.
Other names: short protein forms S217F.
Identifiers: ClinVar variation 5003030 (VCV005003030.1).